The following is an entry in ClinVar:

ClinVar aggregate classification (germline): Likely benign. Review status: criteria provided, multiple submitters, no conflicts (2 of 4 stars). 3 submissions from 3 submitters: Likely benign (2). 1 of the submissions does not count toward it. Last evaluated 2024-09-06.

Conditions:
SLC39A4-related disorder. Also called: SLC39A4-related condition.

Allele frequency attached by ClinVar (database versions not stated): gnomAD exomes 0.00005; ExAC 0.00006.

Submissions (3):

Blueprint Genetics
Classification: Likely benign. Last evaluated: 2024-09-06. Review status: criteria provided, single submitter. Criteria: ACMG Guidelines, 2015. Collection method: clinical testing. Allele origin: germline.

Labcorp Genetics (formerly Invitae), Labcorp
Classification: Likely benign. Last evaluated: 2024-03-07. Review status: criteria provided, single submitter. Criteria: Invitae Variant Classification Sherloc (09022015). Collection method: clinical testing. Allele origin: germline.

PreventionGenetics, part of Exact Sciences
Classification: Likely benign for SLC39A4-related condition. Last evaluated: 2022-10-20. Review status: no assertion criteria provided. Collection method: clinical testing. Allele origin: germline. Not counted in ClinVar's aggregate classification.
Comment: This variant is classified as likely benign based on ACMG/AMP sequence variant interpretation guidelines (Richards et al. 2015 PMID: 25741868, with internal and published modifications).

NM_130849.4(SLC39A4):c.1143G>A (p.Thr381=)

Gene: SLC39A4 (solute carrier family 39 member 4; minus strand). Cytogenetic location: 8q24.3.
Variant type: single nucleotide variant.
Coding change: c.1143G>A on transcript NM_130849.4 (MANE Select); coding-DNA position 1143, G replaced by A.
Protein change: p.Thr381=; no amino-acid change (threonine 381 retained).
Molecular consequence: synonymous variant.
Genome position (GRCh38, 1-based): chr8:144,414,268, C>T on the plus strand (G>A on the coding strand, the complement: SLC39A4 is on the minus strand). VCF-style: chr8-144414268-C-T. GRCh37 (hg19) VCF-style: chr8-145639652-C-T.
Other names: c.861G>A, p.Thr287= (NM_001374839.1); c.1068G>A, p.Thr356= (NM_017767.3); c.1143G>A (NM_130849.3).
Identifiers: ClinVar variation 1102150 (VCV001102150.10), dbSNP rs782380921, ClinGen allele CA4941387.